The following is an entry in ClinVar:

ClinVar aggregate classification (germline): Likely benign (1 of 4 stars; one submission).

gnomAD v4.1: 243 of 398,718 alleles (0.061%); highest among the groups gnomAD compares: Admixed American, 0.11%; 1 homozygote.

Submission:

CeGaT Center for Human Genetics Tuebingen
Classification: Likely benign. Last evaluated: 2026-09-01. Review status: criteria provided, single submitter. Criteria: CeGaT Center For Human Genetics Tuebingen Variant Classification Criteria Version 2. Collection method: clinical testing. Allele origin: germline. Affected: yes. Observed: 8 variant alleles.
Comment: KCNQ1OT1: BS1

NM_000218.3(KCNQ1):c.1514+8013G>T

Genes: KCNQ1 (potassium voltage-gated channel subfamily Q member 1; plus strand), KCNQ1OT1 (KCNQ1 opposite strand/antisense transcript 1; minus strand). Cytogenetic location: 11p15.5.
Variant type: single nucleotide variant.
Coding change: c.1514+8013G>T on transcript NM_000218.3 (MANE Select); 8013 bases into the intron after coding-DNA position 1514, G replaced by T.
Molecular consequence: intron variant.
Genome position (GRCh38, 1-based): chr11:2,670,094, G>T. VCF-style: chr11-2670094-G-T. GRCh37 (hg19) VCF-style: chr11-2691324-G-T.
Other names: c.1244+8013G>T (NM_001406837.1); c.1418+8013G>T (NM_001406836.1); c.974+8013G>T (NM_001406838.1); c.1133+8013G>T (NM_181798.2).
Identifiers: ClinVar variation 1711307 (VCV001711307.30), dbSNP rs151126111, ClinGen allele CA216177358.